The following is an entry in ClinVar:

ClinVar aggregate classification (germline): Uncertain significance (1 of 4 stars; one submission).

Conditions:
Ataxia-telangiectasia syndrome (AT). Also called: LOUIS-BAR SYNDROME; Cerebello-oculocutaneous telangiectasia; Immunodeficiency with ataxia telangiectasia; ATAXIA-TELANGIECTASIA, COMPLEMENTATION GROUP A; ATAXIA-TELANGIECTASIA, FRESNO VARIANT; Ataxia-telangiectasia, complementation group D. Identifiers: Orphanet 100, MedGen C0004135, MONDO:0008840, OMIM 208900.

Submission:

Labcorp Genetics (formerly Invitae), Labcorp
Classification: Uncertain significance for Ataxia-telangiectasia syndrome. Last evaluated: 2024-07-16. Review status: criteria provided, single submitter. Criteria: Invitae Variant Classification Sherloc (09022015). Collection method: clinical testing. Allele origin: germline.
Comment: This sequence change replaces tryptophan, which is neutral and slightly polar, with phenylalanine, which is neutral and non-polar, at codon 524 of the ATM protein (p.Trp524Phe). Information on the frequency of this variant in the gnomAD database is not available, as this variant may be reported differently in the database. This variant has not been reported in the literature in individuals affected with ATM-related conditions. An algorithm developed to predict the effect of missense changes on protein structure and function (PolyPhen-2) suggests that this variant is likely to be disruptive. In summary, the available evidence is currently insufficient to determine the role of this variant in disease. Therefore, it has been classified as a Variant of Uncertain Significance.

NM_000051.4(ATM):c.1571_1572delinsTT (p.Trp524Phe)

Gene: ATM (ATM serine/threonine kinase; plus strand). Cytogenetic location: 11q22.3.
Variant type: Indel.
Coding change: c.1571_1572delinsTT on transcript NM_000051.4 (MANE Select); coding-DNA positions 1571 to 1572, GG replaced by TT.
Protein change: p.Trp524Phe; replaces tryptophan 524 with phenylalanine.
Molecular consequence: missense variant.
Genome position (GRCh38, 1-based): chr11:108,251,036-108,251,037, GG replaced by TT. VCF-style: chr11-108251036-GG-TT. GRCh37 (hg19) VCF-style: chr11-108121763-GG-TT.
Other names: c.1571_1572delinsTT, p.Trp524Phe (NM_001351834.2); short protein forms W524F.
Identifiers: ClinVar variation 3659599 (VCV003659599.2).